The following is an entry in ClinVar:

NM_058246.4(DNAJB6):c.194A>G (p.Tyr65Cys)

Gene: DNAJB6 (DnaJ heat shock protein family (Hsp40) member B6; plus strand). Cytogenetic location: 7q36.3.
Variant type: single nucleotide variant.
Coding change: c.194A>G on transcript NM_058246.4 (MANE Select); coding-DNA position 194, A replaced by G.
Protein change: p.Tyr65Cys; replaces tyrosine 65 with cysteine.
Molecular consequence: missense variant.
Genome position (GRCh38, 1-based): chr7:157,366,520, A>G. VCF-style: chr7-157366520-A-G. GRCh37 (hg19) VCF-style: chr7-157159214-A-G.
Other names: c.194A>G, p.Tyr65Cys (NM_001363676.1, NM_005494.3); short protein forms Y65C.
Identifiers: ClinVar variation 3017689 (VCV003017689.3), dbSNP rs1309055194, ClinGen allele CA370165917.
Genomic context (GRCh38, chr7:157,366,520, plus strand): 5'-TAAAAGGAACTTGGCCTTACCGACTTTTCTTTCAATTTTTAGCTAAGAAACGGGACATCT[A>G]TGACAAATATGGCAAAGAAGGATTAAATGGTGGAGGAGGAGGTAAGTACGTGAGTTTTTT-3'
Protein context (NP_490647.1, residues 55-75): VLSDAKKRDI[Tyr65Cys]DKYGKEGLNG

ClinVar aggregate classification (germline): Uncertain significance (1 of 4 stars; one submission).

Conditions:
Autosomal dominant limb-girdle muscular dystrophy type 1D (DNAJB6) (LGMDD1). Also called: Autosomal dominant limb-girdle muscular dystrophy type 1D; Muscular dystrophy, limb-girdle, autosomal dominant 1; MUSCULAR DYSTROPHY, AUTOSOMAL DOMINANT, WITH RIMMED VACUOLES; MUSCULAR DYSTROPHY, LIMB-GIRDLE, TYPE 1D. Identifiers: Orphanet 34516, MedGen C4721885, MONDO:0021018, OMIM 603511.

Allele frequency attached by ClinVar (database versions not stated): gnomAD exomes below 0.00001; gnomAD 0.00001; TOPMed 0.00001.
gnomAD v4.1: 6 of 1,613,942 alleles (0.00037%); highest among the groups gnomAD compares: East Asian, 0.0022%; no homozygotes.

Submission:

Labcorp Genetics (formerly Invitae), Labcorp
Classification: Uncertain significance for Autosomal dominant limb-girdle muscular dystrophy type 1D (DNAJB6). Last evaluated: 2023-12-06. Review status: criteria provided, single submitter. Criteria: Invitae Variant Classification Sherloc (09022015). Collection method: clinical testing. Allele origin: germline.
Comment: This sequence change replaces tyrosine, which is neutral and polar, with cysteine, which is neutral and slightly polar, at codon 65 of the DNAJB6 protein (p.Tyr65Cys). This variant is present in population databases (no rsID available, gnomAD 0.007%). This variant has not been reported in the literature in individuals affected with DNAJB6-related conditions. Advanced modeling of protein sequence and biophysical properties (such as structural, functional, and spatial information, amino acid conservation, physicochemical variation, residue mobility, and thermodynamic stability) performed at Invitae indicates that this missense variant is expected to disrupt DNAJB6 protein function with a positive predictive value of 80%. In summary, the available evidence is currently insufficient to determine the role of this variant in disease. Therefore, it has been classified as a Variant of Uncertain Significance.